The following is an entry in ClinVar:

ClinVar aggregate classification (germline): Uncertain significance (1 of 4 stars; one submission).

Conditions:
Glycogen storage disease IXd (GSD9D). Also called: Muscle Phosphorylase Kinase Deficiency; GSD IXd. Identifiers: Orphanet 715, MedGen C1845151, MONDO:0010362, OMIM 300559.

gnomAD v4.1: 1 of 1,208,219 alleles (0.000083%); highest among the groups gnomAD compares: Non-Finnish European, 0.00011%; no homozygotes.

Submission:

Labcorp Genetics (formerly Invitae), Labcorp
Classification: Uncertain significance for Glycogen storage disease IXd. Last evaluated: 2024-02-25. Review status: criteria provided, single submitter. Criteria: Invitae Variant Classification Sherloc (09022015). Collection method: clinical testing. Allele origin: germline.
Comment: This sequence change replaces valine, which is neutral and non-polar, with phenylalanine, which is neutral and non-polar, at codon 1087 of the PHKA1 protein (p.Val1087Phe). This variant is not present in population databases (gnomAD no frequency). This variant has not been reported in the literature in individuals affected with PHKA1-related conditions. An algorithm developed to predict the effect of missense changes on protein structure and function (PolyPhen-2) suggests that this variant is likely to be disruptive. In summary, the available evidence is currently insufficient to determine the role of this variant in disease. Therefore, it has been classified as a Variant of Uncertain Significance.

NM_002637.4(PHKA1):c.3259G>T (p.Val1087Phe)

Gene: PHKA1 (phosphorylase kinase regulatory subunit alpha 1; minus strand). Cytogenetic location: Xq13.1.
Variant type: single nucleotide variant.
Coding change: c.3259G>T on transcript NM_002637.4 (MANE Select); coding-DNA position 3259, G replaced by T.
Protein change: p.Val1087Phe; replaces valine 1087 with phenylalanine.
Molecular consequence: missense variant.
Genome position (GRCh38, 1-based): chrX:72,584,287, C>A on the plus strand (G>T on the coding strand, the complement: PHKA1 is on the minus strand). VCF-style: chrX-72584287-C-A. GRCh37 (hg19) VCF-style: chrX-71804137-C-A.
Other names: c.3220G>T, p.Val1074Phe (NM_001122670.2); c.3043G>T, p.Val1015Phe (NM_001172436.2); c.3310G>T, p.Val1104Phe (NM_001431068.1); short protein forms V1015F, V1074F, V1087F, V1104F.
Identifiers: ClinVar variation 3630103 (VCV003630103.2).